The following is an entry in ClinVar:

NC_012920.1(MT-ND5):m.13379A>G

Gene: MT-ND5 (mitochondrially encoded NADH dehydrogenase 5; plus strand).
Variant type: single nucleotide variant.
Genome position: chrM-13379-A-G.
Other names: NC_012920.1:m.13379A>G.
Identifiers: ClinVar variation 1693553 (VCV001693553.1), dbSNP rs2124597679, ClinGen allele CA414817725.
Genomic context (GRCh38, chrMT:13,379, plus strand): 5'-ACATCTGTACCCACGCCTTCTTCAAAGCCATACTATTTATGTGCTCCGGGTCCATCATCC[A>G]CAACCTTAACAATGAACAAGATATTCGAAAAATAGGAGGACTACTCAAAACCATACCTCT-3'

ClinVar aggregate classification (germline): Uncertain significance (3 of 4 stars; one submission).

Conditions:
Mitochondrial disease. Also called: Mitochondrial disorder; Mitochondrial disorders. Identifiers: Orphanet 68380, MedGen C0751651, MeSH D028361, MONDO:0044970.

Submission:

ClinGen Mitochondrial Disease Nuclear and Mitochondrial  Variant Curation Expert Panel, ClinGen
Classification: Uncertain significance for Mitochondrial disease. Last evaluated: 2022-06-30. Review status: reviewed by expert panel. Criteria: clingen mito disease acmg specifications v1-1. Collection method: curation. Allele origin: germline. Inheritance: Mitochondrial inheritance.
Comment: The m.13379A>G (p.H348R) variant in MT-ND5 has been reported in three individuals with LHON from two families (PMIDs: 31669237, 34177762; PS4_supporting). The two related individuals with LHON had this variant present at homoplasmy in blood and were haplogroup J (PMID: 34177762). No other details were provided on the family history of these two individuals. The computational predictor APOGEE gives a consensus rating of pathogenic with a score of 0.56 (Min=0, Max=1), which predicts a damaging effect on gene function (PP3). There are no functional studies reported on this variant. In summary, this variant meets criteria to be classified as uncertain significance for primary mitochondrial disease inherited in a mitochondrial manner. This classification was approved by the NICHD/NINDS U24 Mitochondrial Disease Variant Curation Expert Panel on May 3, 2022. Mitochondrial DNA-specific ACMG/AMP criteria applied (PMID: 32906214): PS4_supporting, PM2_supporting, PP3.